The following is an entry in ClinVar:

NM_019032.6(ADAMTSL4):c.2559+45C>T

Gene: ADAMTSL4 (ADAMTS like 4; plus strand). Cytogenetic location: 1q21.2.
Variant type: single nucleotide variant.
Coding change: c.2559+45C>T on transcript NM_019032.6 (MANE Select); 45 bases into the intron after coding-DNA position 2559, C replaced by T.
Molecular consequence: intron variant. On other transcripts: synonymous variant (1).
Genome position (GRCh38, 1-based): chr1:150,558,694, C>T. VCF-style: chr1-150558694-C-T. GRCh37 (hg19) VCF-style: chr1-150531170-C-T.
Other names: c.2604C>T, p.His868= (NM_025008.5); c.2628+45C>T (NM_001288608.2); c.2442+45C>T (NM_001288607.2); c.2559+45C>T (NM_001378596.1).
Identifiers: ClinVar variation 517011 (VCV000517011.6), dbSNP rs10749658, ClinGen allele CA1078733.

ClinVar aggregate classification (germline): Benign. Review status: criteria provided, multiple submitters, no conflicts (2 of 4 stars). 4 submissions from 4 submitters: Benign (4). Last evaluated 2024-11-26.

Conditions:
Ectopia lentis et pupillae. Also called: ECTOPIA LENTIS WITH ECTOPIA OF PUPIL. Identifiers: Orphanet 1885, MedGen C1644196, MONDO:0009153, OMIM 225200.

Allele frequency attached by ClinVar (database versions not stated): ESP Exome Variant Server 0.91596; 1000 Genomes Project 30x 0.91708; TOPMed 0.91719; 1000 Genomes Project 0.92153; gnomAD 0.92212 and 0.92733; ExAC 0.97677; gnomAD exomes 0.98080 and 0.99300.

Submissions (4):

Blueprint Genetics
Classification: Benign. Last evaluated: 2024-11-26. Review status: criteria provided, single submitter. Criteria: ACMG Guidelines, 2015. Collection method: clinical testing. Allele origin: germline.

Genome-Nilou Lab
Classification: Benign for Ectopia lentis et pupillae. Last evaluated: 2021-07-14. Review status: criteria provided, single submitter. Criteria: ACMG Guidelines, 2015. Collection method: clinical testing. Allele origin: germline. Affected: no.

GeneDx
Classification: Benign. Last evaluated: 2017-05-19. Review status: criteria provided, single submitter. Criteria: GeneDx Variant Classification (06012015). Collection method: clinical testing. Allele origin: germline. Affected: yes.
Comment: This variant is considered likely benign or benign based on one or more of the following criteria: it is a conservative change, it occurs at a poorly conserved position in the protein, it is predicted to be benign by multiple in silico algorithms, and/or has population frequency not consistent with disease.

Breakthrough Genomics
Classification: Benign. Review status: criteria provided, single submitter. Criteria: ACMG Guidelines, 2015. Collection method: not provided. Allele origin: germline. Inheritance: Autosomal recessive inheritance. Affected: yes.